The following is an entry in ClinVar:

ClinVar aggregate classification (germline): Conflicting classifications of pathogenicity. Review status: criteria provided, conflicting classifications (1 of 4 stars). 16 submissions from 16 submitters: Pathogenic (3); Likely pathogenic (6); Uncertain significance (5). 2 of the submissions do not count toward it. Last evaluated 2026-07-01.

Conditions:
Glycogen storage disease, type II (IOPD). Also called: POMPE DISEASE, INFANTILE-ONSET; GLYCOGEN STORAGE DISEASE II, INFANTILE-ONSET; ACID ALPHA-GLUCOSIDASE DEFICIENCY, INFANTILE-ONSET; GAA DEFICIENCY, INFANTILE-ONSET; ACID MALTASE DEFICIENCY, INFANTILE-ONSET; Glucosidase acid-1,4-alpha deficiency. Identifiers: Orphanet 365, MedGen C0017921, MONDO:0009290, OMIM 232300.
GAA-related disorders.
GAA-related disorder. Also called: GAA-related condition.
Glycogen storage disease due to acid maltase deficiency, late-onset (LOPD). Also called: GLYCOGEN STORAGE DISEASE II, LATE-ONSET; ACID ALPHA-GLUCOSIDASE DEFICIENCY, LATE-ONSET; GAA DEFICIENCY, LATE-ONSET; ACID MALTASE DEFICIENCY, LATE-ONSET; AMD, LATE-ONSET; POMPE DISEASE, LATE-ONSET. Identifiers: Orphanet 420429, MedGen C0342753, MONDO:0018485, OMIM 621314.

Allele frequency attached by ClinVar (database versions not stated): gnomAD 0.00006 and 0.00008; TOPMed 0.00008; 1000 Genomes Project 30x 0.00016; 1000 Genomes Project 0.00020; gnomAD exomes 0.00021; ExAC 0.00022.
gnomAD v4.1: 124 of 1,613,212 alleles (0.0077%); highest among the groups gnomAD compares: East Asian, 0.26%; no homozygotes.

Submissions 1 to 11 of 16:

Genomenon, Inc
Classification: Uncertain significance for Glycogen storage disease, type II. Last evaluated: 2026-07-01. Review status: criteria provided, single submitter. Criteria: Genomenon Sequence Variant Interpretation Standards - Updated. Collection method: curation. Allele origin: germline. Affected: yes.
Comment: GAA p.Ser254Leu (c.761C>T) is a missense variant that changes the amino acid at codon 254 from Serine to Leucine. This variant is commonly observed in cis with p.Ser251Leu as part of a shared haplotype c.[752C>T;761C>T]. This haplotype has been observed in several probands with a GAA-related disorder in trans with a pathogenic or likely pathogenic variant (PMID:25466677;40952111;36137614;32802993;32014045;29122469), but to our knowledge Ser254Leu has not been observed in patients with a GAA-related disorder as an isolated variant. At least one functional study has demonstrated a substantial alteration in protein function relative to the wild-type for both the single variant and haplotype (PMID:34995642). While there is evidence supporting pathogenicity for the c.[752C>T;761C>T] haplotype, the clinical significance of p.Ser254Leu alone is unknown. In conclusion, we classify GAA p.Ser254Leu (c.761C>T) as a variant of uncertain significance.

Women's Health and Genetics/Laboratory Corporation of America, LabCorp
Classification: Uncertain significance. Last evaluated: 2026-04-29. Review status: criteria provided, single submitter. Criteria: LabCorp Variant Classification Summary - May 2015. Collection method: clinical testing. Allele origin: germline.
Comment: Variant summary: GAA c.761C>T (p.Ser254Leu) results in a non-conservative amino acid change located in the Galactose mutarotase, N-terminal barrel domain (IPR031727) of the encoded protein sequence. Five of five in-silico tools predict a damaging effect of the variant on protein function. The variant allele was found at a frequency of 0.00019 in 282470 control chromosomes, predominantly at a frequency of 0.0028 within the East Asian subpopulation in the gnomAD database. This frequency is not significantly higher than estimated for a pathogenic variant in GAA causing Glycogen Storage Disease, Type 2 (Pompe Disease) (0.00019 vs 0.0042), allowing no conclusion about variant significance. c.761C>T has been reported in the literature as a complex allele in cis with c.752C>T (p.Ser251Leu) in settings of newborn screening for Glycogen Storage Disease, Type 2 (Pompe Disease) (reported as c.[752C>T;761C>T] in Labrousse_2010, Chien_2011, Liao_2014 etc). This complex allele has been observed as a homozygous and compound heterozygous genotype in the ascertained reports among newborns with screening enzyme activity below the cutoff value (example, Liao_2014). These report(s) do not provide unequivocal conclusions about association of the variant in isolation with Glycogen Storage Disease, Type 2 (Pompe Disease). Co-occurrences of this complex allele in cis with other pathogenic variant(s) have been reported in the literature (GAA c.1411_1414del, p.E471PfsX5), providing supporting evidence for a benign role (example, Larousse_2010, Liao_2014, Yue_2024). To our knowledge, no variant specific experimental evidence demonstrating an impact on protein function has been reported. The following publications have been ascertained in the context of this evaluation (PMID: 31228295, 21232767, 22644586, 20080426, 24513544, 38186848). ClinVar contains an entry for this variant (Variation ID: 325782). Based on the evidence outlined above, the variant was classified as uncertain significance.

Natera, Inc.
Classification: Pathogenic for Glycogen storage disease type II. Last evaluated: 2025-11-13. Review status: criteria provided, single submitter. Criteria: Natera Variant Classification Schema (03/2026). Collection method: clinical testing. Allele origin: germline.
Comment: The c.761C>T variant in GAA is a missense variant predicted to cause substitution of serine to leucine at amino acid 254. This variant is rare in the general population with a frequency below the threshold expected for the associated phenotype(s). This variant has been observed in one or more individuals affected with the associated recessive disease, as either homozygous or compound heterozygous with a second variant (PMID: 34995642). Functional studies show that this variant may disrupt protein function (PMID: 34995642). Computational prediction algorithms indicate this variant is likely to affect gene or protein function. Given the available evidence, this variant is classified as Pathogenic.

Mayo Clinic Laboratories, Mayo Clinic
Classification: Pathogenic. Last evaluated: 2025-10-23. Review status: criteria provided, single submitter. Criteria: ACMG Guidelines, 2015. Collection method: clinical testing. Allele origin: germline. Observed: 3 variant alleles.

3billion
Classification: Pathogenic for Glycogen storage disease, type II. Last evaluated: 2025-10-03. Review status: criteria provided, single submitter. Criteria: ACMG Guidelines, 2015. Collection method: clinical testing. Allele origin: germline. Affected: yes.
Comment: The variant is observed at an extremely low frequency in the gnomAD v4.1.0 dataset (total allele frequency: 0.008%). Predicted Consequence/Location: Missense variant Functional studies provide moderate evidence of the variant having a damaging effect on the gene or gene product (PMID: 22644586). In silico tool predictions suggest damaging effect of the variant on gene or gene product [REVEL: 0.61 (>=0.6, sensitivity 0.68 and specificity 0.92); 3Cnet: 0.99 (> 0.75, sensitivity 0.96 and precision 0.92)]. The same nucleotide change resulting in the same amino acid change has been previously reported to be associated with GAA-related disorder (ClinVar ID: VCV000325782 /PMID: 31637888 /3billion dataset).The variant has been reported to be in trans with a pathogenic variant as either compound heterozygous or homozygous in at least 4 similarly affected unrelated individuals (PMID: 21232767, 24513544, 29124014). Therefore, this variant is classified as Pathogenic according to the recommendation of ACMG/AMP guideline.

Labcorp Genetics (formerly Invitae), Labcorp
Classification: Uncertain significance for Glycogen storage disease, type II. Last evaluated: 2025-01-21. Review status: criteria provided, single submitter. Criteria: Invitae Variant Classification Sherloc (09022015). Collection method: clinical testing. Allele origin: germline.
Comment: The c.761C>T sequence change replaces serine with leucine at codon 254 of the GAA protein (p.Ser254Leu). The serine residue is highly conserved and there is a large physiochemical difference between serine and leucine. This variant is present in population databases (rs577915581, gnomAD 0.3%). The c.761C>T (p.Ser254Leu) variant frequently co-occurs with the c.752C>T (p.Ser251Leu) variant (rs200856561) in cis (on the same chromosome), which is known as the c.[752C>T;761C>T] haplotype. This haplotype has been reported in the literature as homozygous or in combination with other GAA variants in multiple individuals affected with Pompe disease (PMID: 24513544, 29124014, 27183828). The clinical significance of the c.761C>T variant alone is unclear. ClinVar contains an entry for this variant (Variation ID: 325782). While the c.761C>T (p.Ser254Leu) variant alone has not been shown to affect GAA protein function, the c.[752C>T;761C>T] haplotype has been reported to reduce enzyme activity (PMID: 22644586). In summary, the available evidence is currently insufficient to determine the role of this variant in disease. Therefore, it has been classified as a Variant of Uncertain Significance.

Blueprint Genetics
Classification: Likely pathogenic for GAA-related disorders. Last evaluated: 2024-07-12. Review status: criteria provided, single submitter. Criteria: ACMG Guidelines, 2015. Collection method: clinical testing. Allele origin: germline. Affected: yes. Observed: 3 variant alleles.

Fulgent Genetics
Classification: Likely pathogenic for Glycogen storage disease, type II. Last evaluated: 2024-04-19. Review status: criteria provided, single submitter. Criteria: ACMG Guidelines, 2015. Collection method: clinical testing. Allele origin: germline.

AiLife Diagnostics
Classification: Likely pathogenic. Last evaluated: 2022-01-28. Review status: criteria provided, single submitter. Criteria: ACMG Guidelines, 2015. Collection method: clinical testing. Allele origin: germline. Affected: yes. Observed: 1 variant allele.

Genome-Nilou Lab
Classification: Likely pathogenic for Glycogen storage disease, type II. Last evaluated: 2021-07-22. Review status: criteria provided, single submitter. Criteria: ACMG Guidelines, 2015. Collection method: clinical testing. Allele origin: germline. Affected: no.

GeneDx
Classification: Uncertain significance. Last evaluated: 2021-06-18. Review status: criteria provided, single submitter. Criteria: GeneDx Variant Classification Process June 2021. Collection method: clinical testing. Allele origin: germline. Affected: yes.
Comment: In silico analysis supports that this missense variant has a deleterious effect on protein structure/function; This variant is associated with the following publications: (PMID: 29122469, 18458862, 25466677, 27183828, 24513544, 29451150, 29124014, 31637888, 31980526)

NM_000152.5(GAA):c.761C>T (p.Ser254Leu)

Gene: GAA (alpha glucosidase; plus strand). Cytogenetic location: 17q25.3.
Variant type: single nucleotide variant.
Coding change: c.761C>T on transcript NM_000152.5 (MANE Select); coding-DNA position 761, C replaced by T.
Protein change: p.Ser254Leu; replaces serine 254 with leucine.
Molecular consequence: missense variant.
Genome position (GRCh38, 1-based): chr17:80,107,625, C>T. VCF-style: chr17-80107625-C-T. GRCh37 (hg19) VCF-style: chr17-78081424-C-T.
Other names: c.761C>T (NM_000152.4, LRG_673t1, NM_001079804.2); c.761C>T, p.Ser254Leu (NM_001079803.3, NM_001079804.3); short protein forms S254L.
Identifiers: ClinVar variation 325782 (VCV000325782.38), dbSNP rs577915581, ClinGen allele CA8815009.
Genomic context (GRCh38, chr17:80,107,625, plus strand): 5'-CGACGGTGGCGCCCCTGTTCTTTGCGGACCAGTTCCTTCAGCTGTCCACCTCGCTGCCCT[C>T]GCAGTATATCACAGGCCTCGCCGAGCACCTCAGTCCCCTGATGCTCAGCACCAGCTGGAC-3'
Protein context (NP_000143.2, residues 244-264): QFLQLSTSLP[Ser254Leu]QYITGLAEHL